The following is an entry in ClinVar:

ClinVar aggregate classification (germline): Uncertain significance. Review status: criteria provided, multiple submitters, no conflicts (2 of 4 stars). 2 submissions from 2 submitters: Uncertain significance (2). Last evaluated 2024-02-16.

Conditions:
Pitt-Hopkins-like syndrome 2 (PTHSL2). Identifiers: Orphanet 221150, Orphanet 600663, MedGen C3280479, MONDO:0013690, OMIM 614325.

Allele frequency attached by ClinVar (database versions not stated): gnomAD exomes below 0.00001; TOPMed 0.00001; gnomAD 0.00002.
gnomAD v4.1: 4 of 1,542,432 alleles (0.00026%); highest among the groups gnomAD compares: African/African-American, 0.0055%; no homozygotes.

Submissions (2):

Labcorp Genetics (formerly Invitae), Labcorp
Classification: Uncertain significance for Pitt-Hopkins-like syndrome 2. Last evaluated: 2024-02-16. Review status: criteria provided, single submitter. Criteria: Invitae Variant Classification Sherloc (09022015). Collection method: clinical testing. Allele origin: germline.
Comment: This sequence change replaces asparagine, which is neutral and polar, with histidine, which is basic and polar, at codon 830 of the NRXN1 protein (p.Asn830His). This variant is not present in population databases (gnomAD no frequency). This variant has not been reported in the literature in individuals affected with NRXN1-related conditions. ClinVar contains an entry for this variant (Variation ID: 940064). An algorithm developed to predict the effect of missense changes on protein structure and function (PolyPhen-2) suggests that this variant is likely to be tolerated. In summary, the available evidence is currently insufficient to determine the role of this variant in disease. Therefore, it has been classified as a Variant of Uncertain Significance.

GeneDx
Classification: Uncertain significance. Last evaluated: 2019-09-27. Review status: criteria provided, single submitter. Criteria: GeneDx Variant Classification Process June 2021. Collection method: clinical testing. Allele origin: germline. Affected: yes.
Comment: In silico analysis, which includes protein predictors and evolutionary conservation, supports that this variant does not alter protein structure/function; Has not been previously published as pathogenic or benign to our knowledge

NM_001330078.2(NRXN1):c.2368A>C (p.Asn790His)

Gene: NRXN1 (neurexin 1; minus strand). Cytogenetic location: 2p16.3.
Variant type: single nucleotide variant.
Coding change: c.2368A>C on transcript NM_001330078.2 (MANE Select); coding-DNA position 2368, A replaced by C.
Protein change: p.Asn790His; replaces asparagine 790 with histidine.
Molecular consequence: missense variant. On other transcripts: intron variant (7).
Genome position (GRCh38, 1-based): chr2:50,528,631, T>G on the plus strand (A>C on the coding strand, the complement: NRXN1 is on the minus strand). VCF-style: chr2-50528631-T-G. GRCh37 (hg19) VCF-style: chr2-50755769-T-G.
Other names: c.2488A>C, p.Asn830His (NM_001135659.3); c.2344A>C, p.Asn782His (NM_001330077.2, NM_001330082.2); c.2368A>C, p.Asn790His (NM_001330086.2, NM_004801.6); c.2365A>C, p.Asn789His (NM_001330093.2); c.2356A>C, p.Asn786His (NM_001330094.2); c.2263+2596A>C (NM_001330096.2, NM_001330087.2); c.2308+2596A>C (NM_001330083.2, NM_001330084.2); c.2293+2596A>C (NM_001330088.2); and 2 more; short protein forms N782H, N786H, N789H, N830H, N790H.
Identifiers: ClinVar variation 940064 (VCV000940064.11), dbSNP rs984381463, ClinGen allele CA47311036.